The following is an entry in ClinVar:

NM_001127222.2(CACNA1A):c.1039G>A (p.Gly347Ser)

Genes: CACNA1A (calcium voltage-gated channel subunit alpha1 A; minus strand), LOC126862866 (MED14-independent group 3 enhancer GRCh37_chr19:13445719-13446918; plus strand). Cytogenetic location: 19p13.13.
Variant type: single nucleotide variant.
Coding change: c.1039G>A on transcript NM_001127222.2 (MANE Select); coding-DNA position 1039, G replaced by A.
Protein change: p.Gly347Ser; replaces glycine 347 with serine.
Molecular consequence: missense variant.
Genome position (GRCh38, 1-based): chr19:13,335,849, C>T on the plus strand (G>A on the coding strand, the complement: CACNA1A is on the minus strand). VCF-style: chr19-13335849-C-T. GRCh37 (hg19) VCF-style: chr19-13446663-C-T.
Other names: c.1039G>A, p.Gly347Ser (NM_000068.4, NM_001127221.2, NM_001174080.2 and 1 more transcripts); short protein forms G347S.
Identifiers: ClinVar variation 434561 (VCV000434561.19), dbSNP rs977960069, ClinGen allele CA305541029.
Genomic context (GRCh38, chr19:13,335,849, plus strand): 5'-GAGTAGCAGAAACTTACCCTGACAGCACACCCAGCACAAGGTTCAGCATAAAAAAGGAGC[C>T]GATGATGATGAGGGGGATGAAGTACAACCAGTTCCAAGTGTTCCCTGAGGCATCGTTGCT-3'
Protein context (NP_001120694.1, residues 337-357): WLYFIPLIII[Gly347Ser]SFFMLNLVLG

ClinVar aggregate classification (germline): Conflicting classifications of pathogenicity. Review status: criteria provided, conflicting classifications (1 of 4 stars). 3 submissions from 3 submitters: Likely pathogenic (1); Uncertain significance (2). Last evaluated 2025-02-02.

Conditions:
Episodic ataxia type 2 (EA2). Also called: ATAXIA, EPISODIC, WITH NYSTAGMUS; ATAXIA, FAMILIAL PAROXYSMAL; ACETAZOLAMIDE-RESPONSIVE HEREDITARY PAROXYSMAL CEREBELLAR ATAXIA; EPISODIC ATAXIA, NYSTAGMUS-ASSOCIATED; CEREBELLAR ATAXIA, PAROXYSMAL, ACETAZOLAMIDE-RESPONSIVE; CEREBELLOPATHY, HEREDITARY PAROXYSMAL. Identifiers: Orphanet 97, MedGen C1720416, MONDO:0007163, OMIM 108500.
Developmental and epileptic encephalopathy, 42 (DEE42A). Also called: DEVELOPMENTAL AND EPILEPTIC ENCEPHALOPATHY 42A; EPILEPTIC ENCEPHALOPATHY, EARLY INFANTILE, 42A; Epileptic encephalopathy, early infantile, 42. Identifiers: MedGen C4310716, MONDO:0014917, OMIM 617106.
Tip-toe gait. Also called: Toe walking. Identifiers: MedGen C0427144, HP:0030051.

Allele frequency attached by ClinVar (database versions not stated): gnomAD 0.00001; TOPMed 0.00001.
gnomAD v4.1: 1 of 1,610,978 alleles (0.000062%); highest among the groups gnomAD compares: Non-Finnish European, 0.000085%; no homozygotes.

Submissions (3):

Labcorp Genetics (formerly Invitae), Labcorp
Classification: Uncertain significance for Developmental and epileptic encephalopathy, 42; Episodic ataxia type 2. Last evaluated: 2025-02-02. Review status: criteria provided, single submitter. Criteria: Invitae Variant Classification Sherloc (09022015). Collection method: clinical testing. Allele origin: germline.
Comment: This sequence change replaces glycine, which is neutral and non-polar, with serine, which is neutral and polar, at codon 347 of the CACNA1A protein (p.Gly347Ser). This variant is not present in population databases (gnomAD no frequency). This missense change has been observed in individual(s) with cerebellar ataxia (PMID: 29915382, 37422902). ClinVar contains an entry for this variant (Variation ID: 434561). Invitae Evidence Modeling of protein sequence and biophysical properties (such as structural, functional, and spatial information, amino acid conservation, physicochemical variation, residue mobility, and thermodynamic stability) indicates that this missense variant is expected to disrupt CACNA1A protein function with a positive predictive value of 95%. In summary, the available evidence is currently insufficient to determine the role of this variant in disease. Therefore, it has been classified as a Variant of Uncertain Significance.

Practice for Gait Abnormalities, David Pomarino, Competency Network Toe Walking C/o Practice Pomarino
Classification: Likely pathogenic for Tip-toe gait. Last evaluated: 2022-02-17. Review status: criteria provided, single submitter. Criteria: ACMG Guidelines, 2015. Collection method: clinical testing. Allele origin: germline. Affected: yes.
Comment: Hereditary motor sensory neuropathy (HMSN), also known as Charcot-Marie-Tooth Disease (CMT), is the most commonly inherited peripheral polyneuropathy. It constitutes a group of inherited, progressive, motor and sensory peripheral nerve disorders with properties of demyelination, axonal degeneration, or both. It is classified by clinical characteristics, modes of inheritance, electrophysiologic features, metabolic defects, and specific gene markers. Our patients all walk on tiptoe, so they show similar symptoms. When we genetically test them with our toe walking panel, we find that around 90 per cent of them have a genetic variant that explains their toe walking. These can be assigned, for example, to the area of myopathies (such as variants of the COL6A3 gene), the area of hereditary neuropathies (such as variants of the KMT2C gene) or the area of metabolic diseases (such as variants of the PYGM gene). In a smaller group of patients with almost identical symptoms, no abnormality is found in the genes of our panel, but spastic paraplegia can be detected. In another small group of our toe walkers, no abnormalities can be detected in the genes analysed in our toe walking panel, nor do they suffer from spastic paraplegia, as is also the case with healthy children. In contrast to these, however, they show a tiptoe gait. These patients suffer from infantile cerebral palsy, in which toe walking can also be observed.

Genetic Services Laboratory, University of Chicago
Classification: Uncertain significance. Last evaluated: 2016-11-08. Review status: criteria provided, single submitter. Criteria: ACMG Guidelines, 2015. Collection method: clinical testing. Allele origin: germline. Affected: no.

Literature cited by the submitters: PubMed 29915382 (cited by Labcorp Genetics (formerly Invitae), Labcorp); PubMed 37422902 (cited by Labcorp Genetics (formerly Invitae), Labcorp); PubMed 37091313 (cited by Practice for Gait Abnormalities, David Pomarino, Competency Network Toe Walking C/o Practice Pomarino).